The following is an entry in ClinVar:

NM_004082.5(DCTN1):c.3490A>T (p.Thr1164Ser)

Gene: DCTN1 (dynactin subunit 1; minus strand). Cytogenetic location: 2p13.1.
Variant type: single nucleotide variant.
Coding change: c.3490A>T on transcript NM_004082.5 (MANE Select); coding-DNA position 3490, A replaced by T.
Protein change: p.Thr1164Ser; replaces threonine 1164 with serine.
Molecular consequence: missense variant. On other transcripts: non-coding transcript variant (1).
Genome position (GRCh38, 1-based): chr2:74,363,033, T>A on the plus strand (A>T on the coding strand, the complement: DCTN1 is on the minus strand). VCF-style: chr2-74363033-T-A. GRCh37 (hg19) VCF-style: chr2-74590160-T-A.
Other names: c.3415A>T, p.Thr1139Ser (NM_001135040.3); c.3073A>T, p.Thr1025Ser (NM_001135041.3); c.3364A>T, p.Thr1122Ser (NM_001190836.2); c.3469A>T, p.Thr1157Ser (NM_001190837.2); c.3439A>T, p.Thr1147Ser (NM_001378991.1); c.3421A>T, p.Thr1141Ser (NM_001378992.1); c.3088A>T, p.Thr1030Ser (NM_023019.4); short protein forms T1139S, T1164S, T1025S, T1141S, T1157S, T1030S, T1122S, T1147S.
Identifiers: ClinVar variation 1502383 (VCV001502383.8), dbSNP rs72466493, ClinGen allele CA347337125.

ClinVar aggregate classification (germline): Uncertain significance (1 of 4 stars; one submission).

Conditions:
Amyotrophic lateral sclerosis type 1 (ALS1). Also called: AMYOTROPHIC LATERAL SCLEROSIS 1, FAMILIAL. Identifiers: Orphanet 803, MedGen C1862939, MONDO:0007103, OMIM 105400.
Perry syndrome. Also called: PARKINSONISM WITH ALVEOLAR HYPOVENTILATION AND MENTAL DEPRESSION. Identifiers: Orphanet 178509, MedGen C1868594, MONDO:0008201, OMIM 168605.
Neuronopathy, distal hereditary motor, type 7B. Also called: Distal Hereditary Motor Neuronopathy Type 7B (dHMN7B); NEURONOPATHY, DISTAL HEREDITARY MOTOR, AUTOSOMAL DOMINANT 14; NEURONOPATHY, DISTAL HEREDITARY MOTOR, HARDING TYPE VIIB; NEUROPATHY, DISTAL HEREDITARY MOTOR, HARDING TYPE VIIB; NEUROPATHY, DISTAL HEREDITARY MOTOR, WITH VOCAL CORD PARALYSIS, HARDING TYPE VIIB; HMN VIIB. Identifiers: Orphanet 139589, MedGen C1843315, MONDO:0011879, OMIM 607641.

gnomAD v4.1: 1 of 1,613,908 alleles (0.000062%); highest among the groups gnomAD compares: Non-Finnish European, 0.000085%; no homozygotes.

Submission:

Labcorp Genetics (formerly Invitae), Labcorp
Classification: Uncertain significance for Amyotrophic lateral sclerosis type 1; Neuronopathy, distal hereditary motor, type 7B; Perry syndrome. Last evaluated: 2020-11-22. Review status: criteria provided, single submitter. Criteria: Invitae Variant Classification Sherloc (09022015). Collection method: clinical testing. Allele origin: germline.
Comment: This variant has not been reported in the literature in individuals with DCTN1-related conditions. This variant is not present in population databases (ExAC no frequency). This sequence change replaces threonine with serine at codon 1164 of the DCTN1 protein (p.Thr1164Ser). The threonine residue is highly conserved and there is a small physicochemical difference between threonine and serine. Algorithms developed to predict the effect of missense changes on protein structure and function (SIFT, PolyPhen-2, Align-GVGD) all suggest that this variant is likely to be tolerated, but these predictions have not been confirmed by published functional studies and their clinical significance is uncertain. In summary, the available evidence is currently insufficient to determine the role of this variant in disease. Therefore, it has been classified as a Variant of Uncertain Significance.